The following is an entry in ClinVar:

ClinVar aggregate classification (germline): Uncertain significance (1 of 4 stars; one submission).

Conditions:
Early Myoclonic Encephalopathy. Identifiers: MedGen C0270855.

Allele frequency attached by ClinVar (database versions not stated): TOPMed below 0.00001; gnomAD 0.00001; gnomAD exomes 0.00001.
gnomAD v4.1: 6 of 1,603,966 alleles (0.00037%); highest among the groups gnomAD compares: Non-Finnish European, 0.00051%; no homozygotes.

Submission:

Labcorp Genetics (formerly Invitae), Labcorp
Classification: Uncertain significance for Early Myoclonic Encephalopathy. Last evaluated: 2024-10-30. Review status: criteria provided, single submitter. Criteria: Invitae Variant Classification Sherloc (09022015). Collection method: clinical testing. Allele origin: germline.
Comment: This sequence change replaces isoleucine, which is neutral and non-polar, with methionine, which is neutral and non-polar, at codon 409 of the JMJD1C protein (p.Ile409Met). This variant is not present in population databases (gnomAD no frequency). This variant has not been reported in the literature in individuals affected with JMJD1C-related conditions. ClinVar contains an entry for this variant (Variation ID: 848795). Invitae Evidence Modeling of protein sequence and biophysical properties (such as structural, functional, and spatial information, amino acid conservation, physicochemical variation, residue mobility, and thermodynamic stability) indicates that this missense variant is not expected to disrupt JMJD1C protein function with a negative predictive value of 80%. In summary, the available evidence is currently insufficient to determine the role of this variant in disease. Therefore, it has been classified as a Variant of Uncertain Significance.

NM_032776.3(JMJD1C):c.1227A>G (p.Ile409Met)

Gene: JMJD1C (jumonji domain containing 1C; minus strand). Cytogenetic location: 10q21.3.
Variant type: single nucleotide variant.
Coding change: c.1227A>G on transcript NM_032776.3 (MANE Select); coding-DNA position 1227, A replaced by G.
Protein change: p.Ile409Met; replaces isoleucine 409 with methionine.
Molecular consequence: missense variant. On other transcripts: non-coding transcript variant (1).
Genome position (GRCh38, 1-based): chr10:63,214,940, T>C on the plus strand (A>G on the coding strand, the complement: JMJD1C is on the minus strand). VCF-style: chr10-63214940-T-C. GRCh37 (hg19) VCF-style: chr10-64974700-T-C.
Other names: c.681A>G, p.Ile227Met (NM_001282948.2, NM_001318154.2); c.363A>G, p.Ile121Met (NM_001318153.2); c.1113A>G, p.Ile371Met (NM_001322252.2); c.570A>G, p.Ile190Met (NM_001322254.2, NM_001322258.2); short protein forms I121M, I371M, I190M, I409M, I227M.
Identifiers: ClinVar variation 848795 (VCV000848795.9), dbSNP rs914095191, ClinGen allele CA208377454.